The following is an entry in ClinVar:

ClinVar aggregate classification (germline): Likely benign (0 of 4 stars; one submission).

Conditions:
CNPY3-related disorder. Also called: CNPY3-related condition.

Allele frequency attached by ClinVar (database versions not stated): 1000 Genomes Project 0.00040; 1000 Genomes Project 30x 0.00047; gnomAD 0.00067; ESP Exome Variant Server 0.00085.
gnomAD v4.1: 207 of 1,606,902 alleles (0.013%); highest among the groups gnomAD compares: African/African-American, 0.23%; no homozygotes.

Submission:

PreventionGenetics, part of Exact Sciences
Classification: Likely benign for CNPY3-related condition. Last evaluated: 2023-11-28. Review status: no assertion criteria provided. Collection method: clinical testing. Allele origin: germline.
Comment: This variant is classified as likely benign based on ACMG/AMP sequence variant interpretation guidelines (Richards et al. 2015 PMID: 25741868, with internal and published modifications).

NM_006586.5(CNPY3):c.658G>A (p.Ala220Thr)

Genes: CNPY3 (canopy FGF signaling regulator 3; plus strand), CNPY3-GNMT (CNPY3-GNMT readthrough; plus strand). Cytogenetic location: 6p21.1.
Variant type: single nucleotide variant.
Coding change: c.658G>A on transcript NM_006586.5 (MANE Select); coding-DNA position 658, G replaced by A.
Protein change: p.Ala220Thr; replaces alanine 220 with threonine.
Molecular consequence: missense variant. On other transcripts: non-coding transcript variant (4), intron variant (3).
Genome position (GRCh38, 1-based): chr6:42,938,612, G>A. VCF-style: chr6-42938612-G-A. GRCh37 (hg19) VCF-style: chr6-42906350-G-A.
Other names: c.757G>A, p.Ala253Thr (NM_001318842.1); c.391G>A, p.Ala131Thr (NM_001318845.1); c.8+8891G>A (NM_001318856.2); c.151+8891G>A (NM_001318857.2, NM_001318858.2); short protein forms A131T, A220T, A253T.
Identifiers: ClinVar variation 3052940 (VCV003052940.2), dbSNP rs147735655, ClinGen allele CA3810521.